The following is an entry in ClinVar:

ClinVar aggregate classification (germline): Pathogenic. Review status: criteria provided, multiple submitters, no conflicts (2 of 4 stars). 6 submissions from 6 submitters: Pathogenic (6). Last evaluated 2026-09-08.

Conditions:
Fabry disease. Also called: GLA DEFICIENCY; HEREDITARY DYSTOPIC LIPIDOSIS; Fabry's disease; Angiokeratoma corporis diffusum; Ceramide trihexosidosis; ALPHA-GALACTOSIDASE A DEFICIENCY. Identifiers: Orphanet 324, MedGen C0002986, MONDO:0010526, OMIM 301500, HP:0001071. Disease mechanism: loss of function, Fabry disease is due to inactivating mutations in the X-linked GLA gene resulting in deficiency of the enzyme Alpha Galactosidase-A..

Submissions (6):

Genomenon, Inc
Classification: Pathogenic for Fabry disease. Last evaluated: 2026-09-08. Review status: criteria provided, single submitter. Criteria: Genomenon Sequence Variant Interpretation Standards - Updated. Collection method: curation. Allele origin: germline. Affected: yes.
Comment: GLA p.Gln57Ter (c.169C>T) is a nonsense variant that introduces a premature stop codon at amino acid position 57 and is predicted to result in a truncated or absent protein product. This variant has been observed in at least one proband with clinical features consistent with Fabry disease (PMID:17261284;32442237;30477121;35743707). It is absent or not present at a significant frequency in gnomAD. In conclusion, we classify GLA p.Gln57Ter (c.169C>T) as a pathogenic variant.

Serv. Biochemistry and Molecular genetics, Hospital Clinic de Barcelona, Hospital Clínic de Barcelona
Classification: Pathogenic for Fabry disease. Last evaluated: 2026-05-21. Review status: criteria provided, single submitter. Criteria: ACMG Guidelines, 2015. Collection method: clinical testing. Allele origin: germline. Inheritance: X-linked inheritance. Observed: 3 variant alleles.
Comment: Classification reported in the manuscript using ACMG criteria/in silico tools: Pathogenic. Variant type: Nonsense; amino acid change: p.Gln57Ter. Criteria: PVS1, PM2, PS4,

Mendelics
Classification: Pathogenic for Fabry disease. Last evaluated: 2026-03-05. Review status: criteria provided, single submitter. Criteria: ACMG Guidelines, 2015. Collection method: clinical testing. Allele origin: unknown.
Comment: Likely pathogenic/Pathogenic according to ACMG criteria.

Center for Genomic Medicine, Rigshospitalet, Copenhagen University Hospital
Classification: Pathogenic. Last evaluated: 2025-03-04. Review status: criteria provided, single submitter. Criteria: ACMG Guidelines, 2015. Collection method: clinical testing. Allele origin: germline.

Labcorp Genetics (formerly Invitae), Labcorp
Classification: Pathogenic for Fabry disease. Last evaluated: 2023-03-18. Review status: criteria provided, single submitter. Criteria: Invitae Variant Classification Sherloc (09022015). Collection method: clinical testing. Allele origin: germline.
Comment: For these reasons, this variant has been classified as Pathogenic. ClinVar contains an entry for this variant (Variation ID: 222188). This premature translational stop signal has been observed in individual(s) with Fabry disease (PMID: 30477121, 31860127). This variant is not present in population databases (gnomAD no frequency). This sequence change creates a premature translational stop signal (p.Gln57*) in the GLA gene. It is expected to result in an absent or disrupted protein product. Loss-of-function variants in GLA are known to be pathogenic (PMID: 10666480, 12175777).

Women's Health and Genetics/Laboratory Corporation of America, LabCorp
Classification: Pathogenic for Fabry disease. Last evaluated: 2021-03-23. Review status: criteria provided, single submitter. Criteria: LabCorp Variant Classification Summary - May 2015. Collection method: clinical testing. Allele origin: germline.
Comment: Variant summary: GLA c.169C>T (p.Gln57X) results in a premature termination codon, predicted to cause a truncation of the encoded protein or absence of the protein due to nonsense mediated decay, which are commonly known mechanisms for disease. Truncations downstream of this position have been classified as pathogenic by our laboratory. The variant was absent in 183298 control chromosomes. c.169C>T has been reported in the literature in individuals affected with Fabry Disease (example, Duro_2018, Mauhin_2018, Mauhin_2020, Balendran_2020). These data indicate that the variant is likely to be associated with disease. To our knowledge, no experimental evidence demonstrating an impact on protein function has been reported. No clinical diagnostic laboratories have submitted clinical-significance assessments for this variant to ClinVar after 2014. Based on the evidence outlined above, the variant was classified as pathogenic.

Literature cited by the submitters: PubMed 17261284 (cited by Genomenon, Inc); PubMed 32442237 (cited by 3 submitters); PubMed 30477121 (cited by 4 submitters); PubMed 35743707 (cited by Genomenon, Inc and Serv. Biochemistry and Molecular genetics, Hospital Clinic de Barcelona, Hospital Clínic de Barcelona); PubMed 30064518 (cited by Serv. Biochemistry and Molecular genetics, Hospital Clinic de Barcelona, Hospital Clínic de Barcelona and Women's Health and Genetics/Laboratory Corporation of America, LabCorp); PubMed 31860127 (cited by 4 submitters); PubMed 10666480 (cited by Labcorp Genetics (formerly Invitae), Labcorp); PubMed 12175777 (cited by Labcorp Genetics (formerly Invitae), Labcorp).

NM_000169.3(GLA):c.169C>T (p.Gln57Ter)

Genes: GLA (galactosidase alpha; minus strand), RPL36A-HNRNPH2 (RPL36A-HNRNPH2 readthrough; plus strand). Cytogenetic location: Xq22.1.
Variant type: single nucleotide variant.
Coding change: c.169C>T on transcript NM_000169.3 (MANE Select); coding-DNA position 169, C replaced by T.
Protein change: p.Gln57Ter; replaces glutamine 57 with a stop codon.
Molecular consequence: nonsense. On other transcripts: non-coding transcript variant (3), intron variant (2).
Genome position (GRCh38, 1-based): chrX:101,407,735, G>A on the plus strand (C>T on the coding strand, the complement: GLA is on the minus strand). VCF-style: chrX-101407735-G-A. GRCh37 (hg19) VCF-style: chrX-100662723-G-A.
Other names: c.169C>T, p.Gln57Ter (NM_001406747.1, NM_001406748.1, NM_001406749.1); c.301-4201G>A (NM_001199973.2); c.178-4201G>A (NM_001199974.2); short protein forms Q57*.
Identifiers: ClinVar variation 222188 (VCV000222188.11), dbSNP rs869312259, ClinGen allele CA352869.